The following is an entry in ClinVar:

NM_000245.4(MET):c.2075T>C (p.Ile692Thr)

Gene: MET (MET proto-oncogene, receptor tyrosine kinase; plus strand). Cytogenetic location: 7q31.2.
Variant type: single nucleotide variant.
Coding change: c.2075T>C on transcript NM_000245.4 (MANE Select); coding-DNA position 2075, T replaced by C.
Protein change: p.Ile692Thr; replaces isoleucine 692 with threonine.
Molecular consequence: missense variant.
Genome position (GRCh38, 1-based): chr7:116,757,747, T>C. VCF-style: chr7-116757747-T-C. GRCh37 (hg19) VCF-style: chr7-116397801-T-C.
Other names: c.2075T>C, p.Ile692Thr (NM_001127500.3, NM_001324401.3); c.785T>C, p.Ile262Thr (NM_001324402.2); c.2075T>C (NM_001127500.1); short protein forms I262T, I692T.
Identifiers: ClinVar variation 1351287 (VCV001351287.9), dbSNP rs1183432579, ClinGen allele CA368980109.

ClinVar aggregate classification (germline): Uncertain significance. Review status: criteria provided, multiple submitters, no conflicts (2 of 4 stars). 2 submissions from 2 submitters: Uncertain significance (2). Last evaluated 2026-02-11.

Conditions:
Renal cell carcinoma. Identifiers: Orphanet 217071, MedGen C0007134, MeSH D002292, MONDO:0005086, HP:0005584.
Hereditary cancer-predisposing syndrome. Also called: Hereditary neoplastic syndrome; Tumor predisposition; Neoplastic Syndromes, Hereditary; Hereditary Cancer Syndrome. Identifiers: Orphanet 140162, MedGen C0027672, MeSH D009386, MONDO:0015356.

Allele frequency attached by ClinVar (database versions not stated): gnomAD exomes below 0.00001.
gnomAD v4.1: 2 of 1,613,938 alleles (0.00012%); highest among the groups gnomAD compares: South Asian, 0.0011%; no homozygotes.

Submissions (2):

Ambry Genetics
Classification: Uncertain significance for Hereditary cancer-predisposing syndrome. Last evaluated: 2026-02-11. Review status: criteria provided, single submitter. Criteria: Ambry Variant Classification Scheme 2023. Collection method: clinical testing. Allele origin: germline.
Comment: The p.I692T variant (also known as c.2075T>C), located in coding exon 7 of the MET gene, results from a T to C substitution at nucleotide position 2075. The isoleucine at codon 692 is replaced by threonine, an amino acid with similar properties. This amino acid position is well conserved in available vertebrate species. In addition, the in silico prediction for this alteration is inconclusive. Based on the available evidence, the clinical significance of this variant remains unclear.

Labcorp Genetics (formerly Invitae), Labcorp
Classification: Uncertain significance for Renal cell carcinoma. Last evaluated: 2024-09-23. Review status: criteria provided, single submitter. Criteria: Invitae Variant Classification Sherloc (09022015). Collection method: clinical testing. Allele origin: germline.
Comment: This sequence change replaces isoleucine, which is neutral and non-polar, with threonine, which is neutral and polar, at codon 692 of the MET protein (p.Ile692Thr). This variant is present in population databases (no rsID available, gnomAD 0.003%). This variant has not been reported in the literature in individuals affected with MET-related conditions. ClinVar contains an entry for this variant (Variation ID: 1351287). Invitae Evidence Modeling of protein sequence and biophysical properties (such as structural, functional, and spatial information, amino acid conservation, physicochemical variation, residue mobility, and thermodynamic stability) indicates that this missense variant is expected to disrupt MET protein function with a positive predictive value of 80%. In summary, the available evidence is currently insufficient to determine the role of this variant in disease. Therefore, it has been classified as a Variant of Uncertain Significance.